The following is an entry in ClinVar:

ClinVar aggregate classification (germline): Uncertain significance. Review status: criteria provided, multiple submitters, no conflicts (2 of 4 stars). 2 submissions from 2 submitters: Uncertain significance (2). Last evaluated 2024-10-16.

Conditions:
Inborn genetic diseases. Identifiers: MedGen C0950123, MeSH D030342.
Neuropathy, hereditary sensory and autonomic, type 2A (HSAN2A). Also called: HSAN IIA; MORVAN DISEASE; NEUROPATHY, CONGENITAL SENSORY; NEUROPATHY, HEREDITARY SENSORY RADICULAR, AUTOSOMAL RECESSIVE; NEUROPATHY, HEREDITARY SENSORY, TYPE IIA; NEUROPATHY, PROGRESSIVE SENSORY, OF CHILDREN. Identifiers: Orphanet 970, MedGen C2752089, MONDO:0024309, OMIM 201300.
Generalized epilepsy with febrile seizures plus, type 7 (GEFSP7). Also called: GEFS+, TYPE 7. Identifiers: Orphanet 36387, MedGen C2751778, MONDO:0013470, OMIM 613863.

Allele frequency attached by ClinVar (database versions not stated): gnomAD 0.00001; TOPMed 0.00001; gnomAD exomes 0.00004.
gnomAD v4.1: 58 of 1,613,262 alleles (0.0036%); highest among the groups gnomAD compares: Non-Finnish European, 0.0049%; no homozygotes.

Submissions (2):

Labcorp Genetics (formerly Invitae), Labcorp
Classification: Uncertain significance for Neuropathy, hereditary sensory and autonomic, type 2A; Generalized epilepsy with febrile seizures plus, type 7. Last evaluated: 2024-10-16. Review status: criteria provided, single submitter. Criteria: Invitae Variant Classification Sherloc (09022015). Collection method: clinical testing. Allele origin: germline.
Comment: This sequence change replaces lysine, which is basic and polar, with asparagine, which is neutral and polar, at codon 1043 of the SCN9A protein (p.Lys1043Asn). This variant is not present in population databases (gnomAD no frequency). This missense change has been observed in individual(s) with painful diabetic peripheral neuropathy (PMID: 29176367). ClinVar contains an entry for this variant (Variation ID: 945801). Invitae Evidence Modeling of protein sequence and biophysical properties (such as structural, functional, and spatial information, amino acid conservation, physicochemical variation, residue mobility, and thermodynamic stability) indicates that this missense variant is not expected to disrupt SCN9A protein function with a negative predictive value of 95%. In summary, the available evidence is currently insufficient to determine the role of this variant in disease. Therefore, it has been classified as a Variant of Uncertain Significance.

Ambry Genetics
Classification: Uncertain significance for Inborn genetic diseases. Last evaluated: 2020-11-09. Review status: criteria provided, single submitter. Criteria: Ambry Variant Classification Scheme 2023. Collection method: clinical testing. Allele origin: germline.
Comment: The p.K1043N variant (also known as c.3129G>C), located in coding exon 16 of the SCN9A gene, results from a G to C substitution at nucleotide position 3129. The lysine at codon 1043 is replaced by asparagine, an amino acid with similar properties. This amino acid position is poorly conserved in available vertebrate species. This alteration has been reported in a single individual with painful diabetic neuropathy (Blesneac I et al. Pain, 2018 03;159:469-480). In addition, this alteration is predicted to be tolerated by in silico analysis. Since supporting evidence is limited at this time, the clinical significance of this alteration remains unclear.

Literature cited by the submitters: PubMed 29176367 (cited by Labcorp Genetics (formerly Invitae), Labcorp and Ambry Genetics).

NM_001365536.1(SCN9A):c.3162G>C (p.Lys1054Asn)

Genes: SCN9A (sodium voltage-gated channel alpha subunit 9; minus strand), SCN1A-AS1 (SCN1A and SCN9A antisense RNA 1; plus strand). Cytogenetic location: 2q24.3.
Variant type: single nucleotide variant.
Coding change: c.3162G>C on transcript NM_001365536.1 (MANE Select); coding-DNA position 3162, G replaced by C.
Protein change: p.Lys1054Asn; replaces lysine 1054 with asparagine.
Molecular consequence: missense variant.
Genome position (GRCh38, 1-based): chr2:166,272,588, C>G on the plus strand (G>C on the coding strand, the complement: SCN9A is on the minus strand). VCF-style: chr2-166272588-C-G. GRCh37 (hg19) VCF-style: chr2-167129098-C-G.
Other names: c.3129G>C, p.Lys1043Asn (NM_002977.4); short protein forms K1043N, K1054N.
Identifiers: ClinVar variation 945801 (VCV000945801.12), dbSNP rs774486736, ClinGen allele CA59791394.